The following is an entry in ClinVar:

ClinVar aggregate classification (germline): Uncertain significance (1 of 4 stars; one submission).

Conditions:
Hypertrophic cardiomyopathy. Also called: HYPERTROPHIC MYOCARDIOPATHY. Identifiers: Orphanet 217569, MedGen C0007194, MeSH D002312, MONDO:0005045, HP:0001639.

Submission:

Labcorp Genetics (formerly Invitae), Labcorp
Classification: Uncertain significance for Hypertrophic cardiomyopathy. Last evaluated: 2022-06-08. Review status: criteria provided, single submitter. Criteria: Invitae Variant Classification Sherloc (09022015). Collection method: clinical testing. Allele origin: germline.
Comment: In summary, the available evidence is currently insufficient to determine the role of this variant in disease. Therefore, it has been classified as a Variant of Uncertain Significance. This variant is found within a region of MYH7 between codons 181 and 937 that contains the majority of the myosin head domain. Missense variants in this region have been shown to be significantly overrepresented in individuals with hypertrophic cardiomyopathy (PMID: 27532257). Algorithms developed to predict the effect of missense changes on protein structure and function (SIFT, PolyPhen-2, Align-GVGD) all suggest that this variant is likely to be disruptive. This variant has not been reported in the literature in individuals affected with MYH7-related conditions. This variant is not present in population databases (gnomAD no frequency). This sequence change replaces cysteine, which is neutral and slightly polar, with arginine, which is basic and polar, at codon 672 of the MYH7 protein (p.Cys672Arg).

Literature cited by the submitters: PubMed 27532257.

NM_000257.4(MYH7):c.2014T>C (p.Cys672Arg)

Gene: MYH7 (myosin heavy chain 7; minus strand). Cytogenetic location: 14q11.2.
Variant type: single nucleotide variant.
Coding change: c.2014T>C on transcript NM_000257.4 (MANE Select); coding-DNA position 2014, T replaced by C.
Protein change: p.Cys672Arg; replaces cysteine 672 with arginine.
Molecular consequence: missense variant.
Genome position (GRCh38, 1-based): chr14:23,426,807, A>G on the plus strand (T>C on the coding strand, the complement: MYH7 is on the minus strand). VCF-style: chr14-23426807-A-G. GRCh37 (hg19) VCF-style: chr14-23896016-A-G.
Other names: c.2014T>C, p.Cys672Arg (NM_001407004.1); short protein forms C672R.
Identifiers: ClinVar variation 2003653 (VCV002003653.4), dbSNP rs2502292485, ClinGen allele CA389049323.
Genomic context (GRCh38, chr14:23,426,807, plus strand): 5'-CAGTGGGTTGGCCTGAGTTTGTGGCCTCACCTGGAGACTTTGTCTCATTAGGGATGATAC[A>G]ACGTACAAAGTGGGGATGGGTGGAGCGCAAGTTGGTCATCAGCTTGTTCAGATTTTCCTG-3'
Protein context (NP_000248.2, residues 662-682): LRSTHPHFVR[Cys672Arg]IIPNETKSPG